The following is an entry in ClinVar:

ClinVar aggregate classification (germline): Uncertain significance. Review status: criteria provided, multiple submitters, no conflicts (2 of 4 stars). 2 submissions from 2 submitters: Uncertain significance (2). Last evaluated 2024-04-18.

Conditions:
Polycystic kidney disease, adult type (PKD1). Also called: Polycystic Kidney Disease 1, Autosomal Dominant; Polycystic kidney disease 1; Polycystic kidney disease 1, severe; POLYCYSTIC KIDNEY DISEASE 1 WITH OR WITHOUT POLYCYSTIC LIVER DISEASE; POLYCYSTIC KIDNEY DISEASE, ADULT, TYPE I; Polycystic Kidney, Autosomal Dominant. Identifiers: MedGen C3149841, MONDO:0008263, OMIM 173900.

Allele frequency attached by ClinVar (database versions not stated): TOPMed below 0.00001; gnomAD 0.00001; gnomAD exomes 0.00001.
gnomAD v4.1: 12 of 1,609,626 alleles (0.00075%); highest among the groups gnomAD compares: African/African-American, 0.004%; no homozygotes.

Submissions (2):

Fulgent Genetics
Classification: Uncertain significance for Polycystic kidney disease, adult type. Last evaluated: 2024-04-18. Review status: criteria provided, single submitter. Criteria: ACMG Guidelines, 2015. Collection method: clinical testing. Allele origin: germline.

GeneDx
Classification: Uncertain significance. Last evaluated: 2020-07-14. Review status: criteria provided, single submitter. Criteria: GeneDx Variant Classification Process June 2021. Collection method: clinical testing. Allele origin: germline. Affected: yes.
Comment: In silico analysis supports that this missense variant has a deleterious effect on protein structure/function; Has not been previously published as pathogenic or benign to our knowledge

NM_001009944.3(PKD1):c.9679G>A (p.Gly3227Arg)

Gene: PKD1 (polycystin 1, transient receptor potential channel interacting; minus strand). Cytogenetic location: 16p13.3.
Variant type: single nucleotide variant.
Coding change: c.9679G>A on transcript NM_001009944.3 (MANE Select); coding-DNA position 9679, G replaced by A.
Protein change: p.Gly3227Arg; replaces glycine 3227 with arginine.
Molecular consequence: missense variant.
Genome position (GRCh38, 1-based): chr16:2,100,199, C>T on the plus strand (G>A on the coding strand, the complement: PKD1 is on the minus strand). VCF-style: chr16-2100199-C-T. GRCh37 (hg19) VCF-style: chr16-2150200-C-T.
Other names: c.9679G>A, p.Gly3227Arg (NM_000296.4); short protein forms G3227R.
Identifiers: ClinVar variation 1313088 (VCV001313088.3), dbSNP rs1459262773, ClinGen allele CA394354987.